The following is an entry in ClinVar:

NM_000129.4(F13A1):c.646G>A (p.Gly216Arg)

Gene: F13A1 (coagulation factor XIII A chain; minus strand). Cytogenetic location: 6p25.1.
Variant type: single nucleotide variant.
Coding change: c.646G>A on transcript NM_000129.4 (MANE Select); coding-DNA position 646, G replaced by A.
Protein change: p.Gly216Arg; replaces glycine 216 with arginine.
Molecular consequence: missense variant.
Genome position (GRCh38, 1-based): chr6:6,250,855, C>T on the plus strand (G>A on the coding strand, the complement: F13A1 is on the minus strand). VCF-style: chr6-6250855-C-T. GRCh37 (hg19) VCF-style: chr6-6251088-C-T.
Other names: short protein forms G216R.
Identifiers: ClinVar variation 3347034 (VCV003347034.1).

ClinVar aggregate classification (germline): Uncertain significance (0 of 4 stars; one submission).

Conditions:
F13A1-related disorder. Also called: F13A1-related condition.

Submission:

PreventionGenetics, part of Exact Sciences
Classification: Uncertain significance for F13A1-related condition. Last evaluated: 2024-05-02. Review status: no assertion criteria provided. Collection method: clinical testing. Allele origin: germline.
Comment: The F13A1 c.646G>A variant is predicted to result in the amino acid substitution p.Gly216Arg. This variant has been reported in at least one individual with Factor XIIIA deficiency, and functional study showed that this variant would lead to steric hindrance by clashes with the surrounding residues (Reported as p.Gly215Arg, Schroeder et al. 2006. PubMed ID: 16543965). This variant is not reported in a large population database, indicating this variant is rare. At this time, the clinical significance of this variant is uncertain due to the absence of conclusive functional and genetic evidence.